The following is an entry in ClinVar:

NM_000257.4(MYH7):c.1452G>T (p.Lys484Asn)

Gene: MYH7 (myosin heavy chain 7; minus strand). Cytogenetic location: 14q11.2.
Variant type: single nucleotide variant.
Coding change: c.1452G>T on transcript NM_000257.4 (MANE Select); coding-DNA position 1452, G replaced by T.
Protein change: p.Lys484Asn; replaces lysine 484 with asparagine.
Molecular consequence: missense variant.
Genome position (GRCh38, 1-based): chr14:23,428,626, C>A on the plus strand (G>T on the coding strand, the complement: MYH7 is on the minus strand). VCF-style: chr14-23428626-C-A. GRCh37 (hg19) VCF-style: chr14-23897835-C-A.
Other names: c.1452G>T, p.Lys484Asn (NM_001407004.1); short protein forms K484N.
Identifiers: ClinVar variation 2834368 (VCV002834368.3), dbSNP rs2502300322, ClinGen allele CA389050569.

ClinVar aggregate classification (germline): Uncertain significance (1 of 4 stars; one submission).

Conditions:
Hypertrophic cardiomyopathy. Also called: HYPERTROPHIC MYOCARDIOPATHY. Identifiers: Orphanet 217569, MedGen C0007194, MeSH D002312, MONDO:0005045, HP:0001639.

Submission:

Labcorp Genetics (formerly Invitae), Labcorp
Classification: Uncertain significance for Hypertrophic cardiomyopathy. Last evaluated: 2023-02-04. Review status: criteria provided, single submitter. Criteria: Invitae Variant Classification Sherloc (09022015). Collection method: clinical testing. Allele origin: germline.
Comment: In summary, the available evidence is currently insufficient to determine the role of this variant in disease. Therefore, it has been classified as a Variant of Uncertain Significance. Advanced modeling of protein sequence and biophysical properties (such as structural, functional, and spatial information, amino acid conservation, physicochemical variation, residue mobility, and thermodynamic stability) performed at Invitae indicates that this missense variant is expected to disrupt MYH7 protein function. This variant has not been reported in the literature in individuals affected with MYH7-related conditions. This variant is not present in population databases (gnomAD no frequency). This sequence change replaces lysine, which is basic and polar, with asparagine, which is neutral and polar, at codon 484 of the MYH7 protein (p.Lys484Asn).